The following is an entry in ClinVar:

ClinVar aggregate classification (germline): Uncertain significance (1 of 4 stars; one submission).

Submission:

Labcorp Genetics (formerly Invitae), Labcorp
Classification: Uncertain significance. Last evaluated: 2025-04-17. Review status: criteria provided, single submitter. Criteria: Invitae Variant Classification Sherloc (09022015). Collection method: clinical testing. Allele origin: germline.
Comment: This sequence change replaces valine, which is neutral and non-polar, with isoleucine, which is neutral and non-polar, at codon 76 of the CYP7A1 protein (p.Val76Ile). This variant is present in population databases (no rsID available, gnomAD 0.004%). This variant has not been reported in the literature in individuals affected with CYP7A1-related conditions. Invitae Evidence Modeling of protein sequence and biophysical properties (such as structural, functional, and spatial information, amino acid conservation, physicochemical variation, residue mobility, and thermodynamic stability) indicates that this missense variant is not expected to disrupt CYP7A1 protein function with a negative predictive value of 80%. In summary, the available evidence is currently insufficient to determine the role of this variant in disease. Therefore, it has been classified as a Variant of Uncertain Significance.

NM_000780.4(CYP7A1):c.226G>A (p.Val76Ile)

Gene: CYP7A1 (cytochrome P450 family 7 subfamily A member 1; minus strand). Cytogenetic location: 8q12.1.
Variant type: single nucleotide variant.
Coding change: c.226G>A on transcript NM_000780.4 (MANE Select); coding-DNA position 226, G replaced by A.
Protein change: p.Val76Ile; replaces valine 76 with isoleucine.
Molecular consequence: missense variant.
Genome position (GRCh38, 1-based): chr8:58,498,324, C>T on the plus strand (G>A on the coding strand, the complement: CYP7A1 is on the minus strand). VCF-style: chr8-58498324-C-T. GRCh37 (hg19) VCF-style: chr8-59410883-C-T.
Other names: short protein forms V76I.
Identifiers: ClinVar variation 4761906 (VCV004761906.1).
Genomic context (GRCh38, chr8:58,498,324, plus strand): 5'-CAAAATATTTTCCGTGGCACAACACCTTATGGTATGACAAGGGATTTGTGATGAAATGGA[C>T]ATATTTTCCCATTAGTTTGCAGGTAAAAACATGACCATGTTTCCTTTGATTTGCTCTGAG-3'
Protein context (NP_000771.2, residues 66-86): VFTCKLMGKY[Val76Ile]HFITNPLSYH